The following is an entry in ClinVar:

ClinVar aggregate classification (germline): Uncertain significance (1 of 4 stars; one submission).

Conditions:
Inborn genetic diseases. Identifiers: MedGen C0950123, MeSH D030342.

Submission:

Ambry Genetics
Classification: Uncertain significance for Inborn genetic diseases. Last evaluated: 2026-04-19. Review status: criteria provided, single submitter. Criteria: Ambry Variant Classification Scheme 2023. Collection method: clinical testing. Allele origin: germline.
Comment: The p.G268D variant (also known as c.803G>A), located in coding exon 1 of the CEBPA gene, results from a G to A substitution at nucleotide position 803. The glycine at codon 268 is replaced by aspartic acid, an amino acid with similar properties. This amino acid position is conserved. In addition, this alteration is predicted to be tolerated by in silico analysis. Based on the available evidence, the clinical significance of this variant remains unclear.

NM_004364.5(CEBPA):c.803G>A (p.Gly268Asp)

Gene: CEBPA (CCAAT enhancer binding protein alpha; minus strand). Cytogenetic location: 19q13.11.
Variant type: single nucleotide variant.
Coding change: c.803G>A on transcript NM_004364.5 (MANE Select); coding-DNA position 803, G replaced by A.
Protein change: p.Gly268Asp; replaces glycine 268 with aspartic acid.
Molecular consequence: missense variant.
Genome position (GRCh38, 1-based): chr19:33,301,612, C>T on the plus strand (G>A on the coding strand, the complement: CEBPA is on the minus strand). VCF-style: chr19-33301612-C-T. GRCh37 (hg19) VCF-style: chr19-33792518-C-T.
Other names: c.446G>A, p.Gly149Asp (NM_001285829.2); c.908G>A, p.Gly303Asp (NM_001287424.2); c.761G>A, p.Gly254Asp (NM_001287435.2); short protein forms G149D, G254D, G268D, G303D.
Identifiers: ClinVar variation 4868675 (VCV004868675.1).
Genomic context (GRCh38, chr19:33,301,612, plus strand): 5'-CGCACCCGGTACTCGTTGCTGTTCTTGTCCACCGACTTCTTGGCCTTGCCCGCGCCGCTG[C>T]CGCCACTCGCGCGGAGGTCGGGGTGCGCGGCGCCCAGCCCCTTGAGCGCGCTGCCAGGGC-3'
Protein context (NP_004355.2, residues 258-278): AAHPDLRASG[Gly268Asp]SGAGKAKKSV